The following is an entry in ClinVar:

ClinVar aggregate classification (germline): Uncertain significance. Review status: criteria provided, multiple submitters, no conflicts (2 of 4 stars). 2 submissions from 2 submitters: Uncertain significance (2). Last evaluated 2024-07-09.

Conditions:
Inborn genetic diseases. Identifiers: MedGen C0950123, MeSH D030342.
Imerslund-Grasbeck syndrome. Also called: ENTEROCYTE COBALAMIN MALABSORPTION; ENTEROCYTE INTRINSIC FACTOR RECEPTOR, DEFECT OF; PERNICIOUS ANEMIA, JUVENILE, DUE TO SELECTIVE INTESTINAL MALABSORPTION OF VITAMIN B12, WITH PROTEINURIA; Megaloblastic anemia due to inborn errors of metabolism; Imerslund-Gräsbeck syndrome. Identifiers: Orphanet 35858, MedGen C4551825, MONDO:0009853.

Allele frequency attached by ClinVar (database versions not stated): gnomAD exomes below 0.00001 and 0.00001; ExAC 0.00002; gnomAD 0.00002; TOPMed 0.00003.
gnomAD v4.1: 10 of 1,613,960 alleles (0.00062%); highest among the groups gnomAD compares: African/African-American, 0.0053%; no homozygotes.

Submissions (2):

Ambry Genetics
Classification: Uncertain significance for Inborn genetic diseases. Last evaluated: 2024-07-09. Review status: criteria provided, single submitter. Criteria: Ambry Variant Classification Scheme 2023. Collection method: clinical testing. Allele origin: germline.

Labcorp Genetics (formerly Invitae), Labcorp
Classification: Uncertain significance for Imerslund-Grasbeck syndrome. Last evaluated: 2021-12-02. Review status: criteria provided, single submitter. Criteria: Invitae Variant Classification Sherloc (09022015). Collection method: clinical testing. Allele origin: germline.
Comment: This sequence change replaces leucine, which is neutral and non-polar, with phenylalanine, which is neutral and non-polar, at codon 3129 of the CUBN protein (p.Leu3129Phe). This variant is present in population databases (rs762293500, gnomAD 0.008%). This variant has not been reported in the literature in individuals affected with CUBN-related conditions. Algorithms developed to predict the effect of missense changes on protein structure and function output the following: SIFT: "Tolerated"; PolyPhen-2: "Benign"; Align-GVGD: "Class C0". The phenylalanine amino acid residue is found in multiple mammalian species, which suggests that this missense change does not adversely affect protein function. In summary, the available evidence is currently insufficient to determine the role of this variant in disease. Therefore, it has been classified as a Variant of Uncertain Significance.

NM_001081.4(CUBN):c.9385C>T (p.Leu3129Phe)

Gene: CUBN (cubilin; minus strand). Cytogenetic location: 10p13.
Variant type: single nucleotide variant.
Coding change: c.9385C>T on transcript NM_001081.4 (MANE Select); coding-DNA position 9385, C replaced by T.
Protein change: p.Leu3129Phe; replaces leucine 3129 with phenylalanine.
Molecular consequence: missense variant.
Genome position (GRCh38, 1-based): chr10:16,869,705, G>A on the plus strand (C>T on the coding strand, the complement: CUBN is on the minus strand). VCF-style: chr10-16869705-G-A. GRCh37 (hg19) VCF-style: chr10-16911704-G-A.
Other names: c.9385C>T (NM_001081.3); short protein forms L3129F.
Identifiers: ClinVar variation 1396553 (VCV001396553.6), dbSNP rs762293500, ClinGen allele CA5422719.